The following is an entry in ClinVar:

NM_017739.4(POMGNT1):c.300C>T (p.Asp100=)

Gene: POMGNT1 (protein O-linked mannose N-acetylglucosaminyltransferase 1 (beta 1,2-); minus strand). Cytogenetic location: 1p34.1.
Variant type: single nucleotide variant.
Coding change: c.300C>T on transcript NM_017739.4 (MANE Select); coding-DNA position 300, C replaced by T.
Protein change: p.Asp100=; no amino-acid change (aspartic acid 100 retained).
Molecular consequence: synonymous variant. On other transcripts: 5 prime UTR variant (1).
Genome position (GRCh38, 1-based): chr1:46,196,785, G>A on the plus strand (C>T on the coding strand, the complement: POMGNT1 is on the minus strand). VCF-style: chr1-46196785-G-A. GRCh37 (hg19) VCF-style: chr1-46662457-G-A.
Other names: c.300C>T, p.Asp100= (NM_001243766.2, NM_001410783.1); c.234C>T, p.Asp78= (NM_001290129.3); c.-130C>T (NM_001290130.2); c.300C>T (NM_001243766.1).
Identifiers: ClinVar variation 706244 (VCV000706244.13), dbSNP rs748654101, ClinGen allele CA833793.

ClinVar aggregate classification (germline): Likely benign. Review status: criteria provided, multiple submitters, no conflicts (2 of 4 stars). 3 submissions from 3 submitters: Likely benign (3). Last evaluated 2026-04-24.

Conditions:
Autosomal recessive limb-girdle muscular dystrophy type 2O. Also called: MUSCULAR DYSTROPHY-DYSTROGLYCANOPATHY (LIMB-GIRDLE), TYPE C, 3; MUSCULAR DYSTROPHY-DYSTROGLYCANOPATHY, LIMB-GIRDLE, POMGNT1-RELATED; Limb-Girdle Muscular Dystrophy Type 3C. Identifiers: Orphanet 206564, MedGen C3150417, MONDO:0013161, OMIM 613157.
Muscular dystrophy-dystroglycanopathy (congenital with impaired intellectual development), type B, 3. Also called: Muscular dystrophy-dystroglycanopathy (congenital with intellectual disability), type B3; MUSCULAR DYSTROPHY, CONGENITAL, POMGNT1-RELATED. Identifiers: MedGen C3150412, MONDO:0013155, OMIM 613151.
POMGNT1-related disorder. Also called: POMGNT1-related condition; POMGNT1-related disorders. Identifiers: MedGen CN239299.

Allele frequency attached by ClinVar (database versions not stated): gnomAD exomes 0.00001 and 0.00002; gnomAD 0.00003 and 0.00002; TOPMed 0.00002; ExAC 0.00002.
gnomAD v4.1: 23 of 1,614,050 alleles (0.0014%); highest among the groups gnomAD compares: Admixed American, 0.0067%; no homozygotes.

Submissions (3):

PreventionGenetics, part of Exact Sciences
Classification: Likely benign for POMGNT1-related condition. Last evaluated: 2026-04-24. Review status: criteria provided, single submitter. Criteria: ACMG Guidelines, 2015. Collection method: clinical testing. Allele origin: germline.
Comment: This variant is classified as likely benign based on ACMG/AMP sequence variant interpretation guidelines (Richards et al. 2015 PMID: 25741868, with internal and published modifications).

Blueprint Genetics
Classification: Likely benign. Last evaluated: 2024-08-22. Review status: criteria provided, single submitter. Criteria: ACMG Guidelines, 2015. Collection method: clinical testing. Allele origin: germline.

Labcorp Genetics (formerly Invitae), Labcorp
Classification: Likely benign for Autosomal recessive limb-girdle muscular dystrophy type 2O; Muscular dystrophy-dystroglycanopathy (congenital with impaired intellectual development), type B, 3. Last evaluated: 2024-05-26. Review status: criteria provided, single submitter. Criteria: Invitae Variant Classification Sherloc (09022015). Collection method: clinical testing. Allele origin: germline.